The following is an entry in ClinVar:

NM_001042492.3(NF1):c.5386G>A (p.Glu1796Lys)

Gene: NF1 (neurofibromin 1; plus strand). Cytogenetic location: 17q11.2.
Variant type: single nucleotide variant.
Coding change: c.5386G>A on transcript NM_001042492.3 (MANE Select); coding-DNA position 5386, G replaced by A.
Protein change: p.Glu1796Lys; replaces glutamic acid 1796 with lysine.
Molecular consequence: missense variant.
Genome position (GRCh38, 1-based): chr17:31,327,616, G>A. VCF-style: chr17-31327616-G-A. GRCh37 (hg19) VCF-style: chr17-29654634-G-A.
Other names: c.5323G>A, p.Glu1775Lys (NM_000267.4); short protein forms E1775K, E1796K.
Identifiers: ClinVar variation 4998839 (VCV004998839.1).

ClinVar aggregate classification (germline): Uncertain significance (1 of 4 stars; one submission).

Conditions:
NF1-related disorder. Also called: NF1-related condition. Identifiers: MedGen CN379171.

Submission:

PreventionGenetics, part of Exact Sciences
Classification: Uncertain significance for NF1-related condition. Last evaluated: 2025-05-14. Review status: criteria provided, single submitter. Criteria: ACMG Guidelines, 2015. Collection method: clinical testing. Allele origin: germline.
Comment: The NF1 c.5386G>A variant is predicted to result in the amino acid substitution p.Glu1796Lys. On an alternate transcript (NM_000267) this variant is known as c.5323G>A (p.Glu1775Lys). To our knowledge, this variant has not been reported in the literature or in a large population database (gnomAD), indicating this variant is rare. At the time of reporting, this variant is not present in the ClinVar database. At this time, the clinical significance of this variant is uncertain due to the absence of conclusive functional and genetic evidence.